The following is an entry in ClinVar:

ClinVar aggregate classification (germline): Uncertain significance (1 of 4 stars; one submission).

Submission:

Ambry Genetics
Classification: Uncertain significance. Last evaluated: 2025-06-13. Review status: criteria provided, single submitter. Criteria: Ambry Variant Classification Scheme 2023. Collection method: clinical testing. Allele origin: germline.
Comment: The p.R60L variant (also known as c.179G>T), located in coding exon 1 of the GALNT12 gene, results from a G to T substitution at nucleotide position 179. The arginine at codon 60 is replaced by leucine, an amino acid with dissimilar properties. This amino acid position is conserved. In addition, this alteration is predicted to be tolerated by in silico analysis. Based on the available evidence, the clinical significance of this variant remains unclear.

NM_024642.5(GALNT12):c.179G>T (p.Arg60Leu)

Gene: GALNT12 (polypeptide N-acetylgalactosaminyltransferase 12; plus strand). Cytogenetic location: 9q22.33.
Variant type: single nucleotide variant.
Coding change: c.179G>T on transcript NM_024642.5 (MANE Select); coding-DNA position 179, G replaced by T.
Protein change: p.Arg60Leu; replaces arginine 60 with leucine.
Molecular consequence: missense variant.
Genome position (GRCh38, 1-based): chr9:98,807,877, G>T. VCF-style: chr9-98807877-G-T. GRCh37 (hg19) VCF-style: chr9-101570159-G-T.
Other names: short protein forms R60L.
Identifiers: ClinVar variation 4028023 (VCV004028023.1).